The following is an entry in ClinVar:

ClinVar aggregate classification (germline): Uncertain significance. Review status: criteria provided, multiple submitters, no conflicts (2 of 4 stars). 3 submissions from 3 submitters: Uncertain significance (3). Last evaluated 2024-10-22.

Conditions:
Retinal dystrophy. Also called: Inherited retinal dystrophy. Identifiers: Orphanet 71862, MedGen C0854723, MeSH D058499, MONDO:0019118, HP:0000556.
ABCA4-related disorder. Also called: ABCA4-related disorders; ABCA4-related condition. Identifiers: MedGen CN239167.

Allele frequency attached by ClinVar (database versions not stated): ExAC 0.00004.
gnomAD v4.1: 15 of 1,614,150 alleles (0.00093%); highest among the groups gnomAD compares: East Asian, 0.033%; no homozygotes.

Submissions (3):

Labcorp Genetics (formerly Invitae), Labcorp
Classification: Uncertain significance. Last evaluated: 2024-10-22. Review status: criteria provided, single submitter. Criteria: Invitae Variant Classification Sherloc (09022015). Collection method: clinical testing. Allele origin: germline.
Comment: This sequence change replaces alanine, which is neutral and non-polar, with glycine, which is neutral and non-polar, at codon 1326 of the ABCA4 protein (p.Ala1326Gly). This variant is present in population databases (rs761989194, gnomAD 0.05%). This variant has not been reported in the literature in individuals affected with ABCA4-related conditions. ClinVar contains an entry for this variant (Variation ID: 298243). Invitae Evidence Modeling of protein sequence and biophysical properties (such as structural, functional, and spatial information, amino acid conservation, physicochemical variation, residue mobility, and thermodynamic stability) indicates that this missense variant is not expected to disrupt ABCA4 protein function with a negative predictive value of 95%. In summary, the available evidence is currently insufficient to determine the role of this variant in disease. Therefore, it has been classified as a Variant of Uncertain Significance.

Dept Of Ophthalmology, Nagoya University
Classification: Uncertain significance for Retinal dystrophy. Last evaluated: 2023-10-01. Review status: criteria provided, single submitter. Criteria: Submitter's publication. Collection method: research. Allele origin: germline. Affected: yes.

Illumina Laboratory Services, Illumina
Classification: Uncertain significance for ABCA4-Related Disorders. Last evaluated: 2018-01-13. Review status: criteria provided, single submitter. Criteria: ICSL Variant Classification Criteria 13 December 2019. Collection method: clinical testing. Allele origin: germline.

NM_000350.3(ABCA4):c.3977C>G (p.Ala1326Gly)

Gene: ABCA4 (ATP binding cassette subfamily A member 4; minus strand). Cytogenetic location: 1p22.1.
Variant type: single nucleotide variant.
Coding change: c.3977C>G on transcript NM_000350.3 (MANE Select); coding-DNA position 3977, C replaced by G.
Protein change: p.Ala1326Gly; replaces alanine 1326 with glycine.
Molecular consequence: missense variant.
Genome position (GRCh38, 1-based): chr1:94,031,929, G>C on the plus strand (C>G on the coding strand, the complement: ABCA4 is on the minus strand). VCF-style: chr1-94031929-G-C. GRCh37 (hg19) VCF-style: chr1-94497485-G-C.
Other names: c.3755C>G, p.Ala1252Gly (NM_001425324.1); short protein forms A1326G, A1252G.
Identifiers: ClinVar variation 298243 (VCV000298243.16), dbSNP rs761989194, ClinGen allele CA957754.